The following is an entry in ClinVar:

NM_018646.6(TRPV6):c.59G>A (p.Arg20Lys)

Gene: TRPV6 (transient receptor potential cation channel subfamily V member 6; minus strand). Cytogenetic location: 7q34.
Variant type: single nucleotide variant.
Coding change: c.59G>A on transcript NM_018646.6 (MANE Select); coding-DNA position 59, G replaced by A.
Protein change: p.Arg20Lys; replaces arginine 20 with lysine.
Molecular consequence: missense variant.
Genome position (GRCh38, 1-based): chr7:142,885,578, C>T on the plus strand (G>A on the coding strand, the complement: TRPV6 is on the minus strand). VCF-style: chr7-142885578-C-T. GRCh37 (hg19) VCF-style: chr7-142583323-C-T.
Other names: short protein forms R20K.
Identifiers: ClinVar variation 4798109 (VCV004798109.1).
Genomic context (GRCh38, chr7:142,885,578, plus strand): 5'-GGGTGTAGGGCCGGCTCCTTGGGGGCCTGAGGCCGAGGCCAGACCCTGACGGGACTCAGC[C>T]TTGGGGCCACATCAGCCCCCCCAAGGGCCGGCCCACCGTCTCCCTGTAGAGGTCCCGTCT-3'
Protein context (NP_061116.5, residues 10-30): PALGGADVAP[Arg20Lys]LSPVRVWPRP

ClinVar aggregate classification (germline): Uncertain significance (1 of 4 stars; one submission).

gnomAD v4.1: 2 of 1,521,718 alleles (0.00013%); highest among the groups gnomAD compares: African/African-American, 0.0028%; no homozygotes.

Submission:

Labcorp Genetics (formerly Invitae), Labcorp
Classification: Uncertain significance. Last evaluated: 2026-01-24. Review status: criteria provided, single submitter. Criteria: Invitae Variant Classification Sherloc (09022015). Collection method: clinical testing. Allele origin: germline.
Comment: This sequence change replaces arginine, which is basic and polar, with lysine, which is basic and polar, at codon 20 of the TRPV6 protein (p.Arg20Lys). This variant is not present in population databases (gnomAD no frequency). This variant has not been reported in the literature in individuals affected with TRPV6-related conditions. Experimental studies and prediction algorithms are not available or were not evaluated, and the functional significance of this variant is currently unknown. In summary, the available evidence is currently insufficient to determine the role of this variant in disease. Therefore, it has been classified as a Variant of Uncertain Significance.